The following is an entry in ClinVar:

NM_004990.4(MARS1):c.2263A>G (p.Met755Val)

Gene: MARS1 (methionyl-tRNA synthetase 1; plus strand). Cytogenetic location: 12q13.3.
Variant type: single nucleotide variant.
Coding change: c.2263A>G on transcript NM_004990.4 (MANE Select); coding-DNA position 2263, A replaced by G.
Protein change: p.Met755Val; replaces methionine 755 with valine.
Molecular consequence: missense variant.
Genome position (GRCh38, 1-based): chr12:57,515,208, A>G. VCF-style: chr12-57515208-A-G. GRCh37 (hg19) VCF-style: chr12-57908991-A-G.
Other names: short protein forms M755V.
Identifiers: ClinVar variation 1799745 (VCV001799745.2), dbSNP rs1443510181, ClinGen allele CA385466244.

ClinVar aggregate classification (germline): Uncertain significance (1 of 4 stars; one submission).

Allele frequency attached by ClinVar (database versions not stated): gnomAD exomes below 0.00001; TOPMed below 0.00001; gnomAD 0.00001.
gnomAD v4.1: 4 of 1,614,086 alleles (0.00025%); highest among the groups gnomAD compares: African/African-American, 0.0013%; no homozygotes.

Submission:

Ambry Genetics
Classification: Uncertain significance. Last evaluated: 2021-03-08. Review status: criteria provided, single submitter. Criteria: Ambry Variant Classification Scheme 2023. Collection method: clinical testing. Allele origin: germline.
Comment: The p.M755V variant (also known as c.2263A>G), located in coding exon 18 of the MARS gene, results from an A to G substitution at nucleotide position 2263. The methionine at codon 755 is replaced by valine, an amino acid with highly similar properties. This amino acid position is well conserved in available vertebrate species. In addition, this alteration is predicted to be tolerated by in silico analysis. Since supporting evidence is limited at this time, the clinical significance of this alteration remains unclear.